The following is an entry in ClinVar:

NM_001291867.2(NHS):c.2469T>C (p.Asp823=)

Gene: NHS (NHS actin remodeling regulator; plus strand). Cytogenetic location: Xp22.13.
Variant type: single nucleotide variant.
Coding change: c.2469T>C on transcript NM_001291867.2 (MANE Select); coding-DNA position 2469, T replaced by C.
Protein change: p.Asp823=; no amino-acid change (aspartic acid 823 retained).
Molecular consequence: synonymous variant.
Genome position (GRCh38, 1-based): chrX:17,726,575, T>C. VCF-style: chrX-17726575-T-C. GRCh37 (hg19) VCF-style: chrX-17744695-T-C.
Other names: c.1875T>C, p.Asp625= (NM_001291868.2); c.2130T>C, p.Asp710= (NM_001440780.1); c.2406T>C, p.Asp802= (NM_198270.4); c.1938T>C, p.Asp646= (NM_001136024.4).
Identifiers: ClinVar variation 5040889 (VCV005040889.1).
Genomic context (GRCh38, chrX:17,726,575, plus strand): 5'-CTATGCAGCCCTGGGCCCAGAGAATGGCCAGGGTGTAGGGGCTTCCCCTGGTCTTCCAGA[T>C]TGTGCCTGGCAGGACTACTTAGACCACAAGAGGCAGGGAAGACCAAGCATCTCTTTCAGG-3'
Protein context (NP_001278796.1, residues 813-833): QGVGASPGLP[Asp823=]CAWQDYLDHK

ClinVar aggregate classification (germline): Likely benign (1 of 4 stars; one submission).

gnomAD v4.1: 83 of 1,210,326 alleles (0.0069%); highest among the groups gnomAD compares: Non-Finnish European, 0.009%; no homozygotes.

Submission:

CeGaT Center for Human Genetics Tuebingen
Classification: Likely benign. Last evaluated: 2026-09-01. Review status: criteria provided, single submitter. Criteria: CeGaT Center For Human Genetics Tuebingen Variant Classification Criteria Version 2. Collection method: clinical testing. Allele origin: germline. Affected: yes. Observed: 1 variant allele.
Comment: NHS: BP4, BP7, BS2